The following is an entry in ClinVar:

NM_018076.5(ODAD2):c.488C>T (p.Pro163Leu)

Gene: ODAD2 (outer dynein arm docking complex subunit 2; minus strand). Cytogenetic location: 10p12.1.
Variant type: single nucleotide variant.
Coding change: c.488C>T on transcript NM_018076.5 (MANE Select); coding-DNA position 488, C replaced by T.
Protein change: p.Pro163Leu; replaces proline 163 with leucine.
Molecular consequence: missense variant.
Genome position (GRCh38, 1-based): chr10:27,985,106, G>A on the plus strand (C>T on the coding strand, the complement: ODAD2 is on the minus strand). VCF-style: chr10-27985106-G-A. GRCh37 (hg19) VCF-style: chr10-28274035-G-A.
Other names: c.488C>T, p.Pro163Leu (NM_001290020.2); short protein forms P163L.
Identifiers: ClinVar variation 1681397 (VCV001681397.6), dbSNP rs1849794667, ClinGen allele CA376397211.
Genomic context (GRCh38, chr10:27,985,106, plus strand): 5'-AGGAGGTGCAGATCCAATTGCTTAAGCAGCATAGCAATCTTCATCTTAATTTCACTTTCA[G>A]GATCATCATCTCTGGTAATTTTGCCAAGAATATTTAATGCAATTGAGTTTTCTTTCATTG-3'
Protein context (NP_060546.2, residues 153-173): ILGKITRDDD[Pro163Leu]ESEIKMKIAM

ClinVar aggregate classification (germline): Uncertain significance (1 of 4 stars; one submission).

Conditions:
Primary ciliary dyskinesia 23 (CILD23). Also called: CILIARY DYSKINESIA, PRIMARY, 23, WITH OR WITHOUT SITUS INVERSUS. Identifiers: Orphanet 244, MedGen C3809548, MONDO:0014193, OMIM 615451.

Submission:

Labcorp Genetics (formerly Invitae), Labcorp
Classification: Uncertain significance for Primary ciliary dyskinesia 23. Last evaluated: 2022-03-02. Review status: criteria provided, single submitter. Criteria: Invitae Variant Classification Sherloc (09022015). Collection method: clinical testing. Allele origin: germline.
Comment: In summary, the available evidence is currently insufficient to determine the role of this variant in disease. Therefore, it has been classified as a Variant of Uncertain Significance. Algorithms developed to predict the effect of missense changes on protein structure and function (SIFT, PolyPhen-2, Align-GVGD) all suggest that this variant is likely to be tolerated. This variant has not been reported in the literature in individuals affected with ARMC4-related conditions. This variant is not present in population databases (gnomAD no frequency). This sequence change replaces proline, which is neutral and non-polar, with leucine, which is neutral and non-polar, at codon 163 of the ARMC4 protein (p.Pro163Leu).